The following is an entry in ClinVar:

ClinVar aggregate classification (germline): Uncertain significance (1 of 4 stars; one submission).

Conditions:
Cardiovascular phenotype. Identifiers: MedGen CN230736.

Submission:

Ambry Genetics
Classification: Uncertain significance for Cardiovascular phenotype. Last evaluated: 2022-03-19. Review status: criteria provided, single submitter. Criteria: Ambry Variant Classification Scheme 2023. Collection method: clinical testing. Allele origin: germline.
Comment: The p.S2909Y variant (also known as c.8726C>A), located in coding exon 2 of the ZNF469 gene, results from a C to A substitution at nucleotide position 8726. The serine at codon 2909 is replaced by tyrosine, an amino acid with dissimilar properties. This amino acid position is conserved. In addition, this alteration is predicted to be tolerated by in silico analysis. Since supporting evidence is limited at this time, the clinical significance of this alteration remains unclear.

NM_001367624.2(ZNF469):c.8810C>A (p.Ser2937Tyr)

Gene: ZNF469 (zinc finger protein 469; plus strand). Cytogenetic location: 16q24.2.
Variant type: single nucleotide variant.
Coding change: c.8810C>A on transcript NM_001367624.2 (MANE Select); coding-DNA position 8810, C replaced by A.
Protein change: p.Ser2937Tyr; replaces serine 2937 with tyrosine.
Molecular consequence: missense variant.
Genome position (GRCh38, 1-based): chr16:88,436,280, C>A. VCF-style: chr16-88436280-C-A. GRCh37 (hg19) VCF-style: chr16-88502688-C-A.
Other names: NM_001127464.1:c.8726C>A; short protein forms S2937Y.
Identifiers: ClinVar variation 1764456 (VCV001764456.2), dbSNP rs2507601068, ClinGen allele CA397119478.